The following is an entry in ClinVar:

ClinVar aggregate classification (germline): Uncertain significance (1 of 4 stars; one submission).

Conditions:
Autoimmune interstitial lung disease-arthritis syndrome. Also called: Autoinflammation and autoimmunity, systemic, with immune dysregulation. Identifiers: Orphanet 444092, MedGen C5975714, MONDO:0014629.

Submission:

Labcorp Genetics (formerly Invitae), Labcorp
Classification: Uncertain significance for Autoimmune interstitial lung disease-arthritis syndrome. Last evaluated: 2022-02-03. Review status: criteria provided, single submitter. Criteria: Invitae Variant Classification Sherloc (09022015). Collection method: clinical testing. Allele origin: germline.
Comment: In summary, the available evidence is currently insufficient to determine the role of this variant in disease. Therefore, it has been classified as a Variant of Uncertain Significance. Advanced modeling of protein sequence and biophysical properties (such as structural, functional, and spatial information, amino acid conservation, physicochemical variation, residue mobility, and thermodynamic stability) performed at Invitae indicates that this missense variant is expected to disrupt COPA protein function. This variant has not been reported in the literature in individuals affected with COPA-related conditions. This variant is not present in population databases (gnomAD no frequency). This sequence change replaces phenylalanine, which is neutral and non-polar, with serine, which is neutral and polar, at codon 101 of the COPA protein (p.Phe101Ser).

NM_004371.4(COPA):c.302T>C (p.Phe101Ser)

Gene: COPA (coat protein complex I subunit alpha; minus strand). Cytogenetic location: 1q23.2.
Variant type: single nucleotide variant.
Coding change: c.302T>C on transcript NM_004371.4 (MANE Select); coding-DNA position 302, T replaced by C.
Protein change: p.Phe101Ser; replaces phenylalanine 101 with serine.
Molecular consequence: missense variant.
Genome position (GRCh38, 1-based): chr1:160,335,249, A>G on the plus strand (T>C on the coding strand, the complement: COPA is on the minus strand). VCF-style: chr1-160335249-A-G. GRCh37 (hg19) VCF-style: chr1-160305039-A-G.
Other names: c.302T>C, p.Phe101Ser (NM_001098398.2); short protein forms F101S.
Identifiers: ClinVar variation 1523463 (VCV001523463.8), dbSNP rs2101874685, ClinGen allele CA343271286.